The following is an entry in ClinVar:

NM_000479.5(AMH):c.472C>T (p.Pro158Ser)

Gene: AMH (anti-Mullerian hormone; plus strand). Cytogenetic location: 19p13.3.
Variant type: single nucleotide variant.
Coding change: c.472C>T on transcript NM_000479.5 (MANE Select); coding-DNA position 472, C replaced by T.
Protein change: p.Pro158Ser; replaces proline 158 with serine.
Molecular consequence: missense variant.
Genome position (GRCh38, 1-based): chr19:2,250,396, C>T. VCF-style: chr19-2250396-C-T. GRCh37 (hg19) VCF-style: chr19-2250395-C-T.
Other names: short protein forms P158S.
Identifiers: ClinVar variation 3766343 (VCV003766343.1).

ClinVar aggregate classification (germline): Uncertain significance (1 of 4 stars; one submission).

Submission:

GeneDx
Classification: Uncertain significance. Last evaluated: 2024-08-29. Review status: criteria provided, single submitter. Criteria: GeneDx Variant Classification Process June 2021. Collection method: clinical testing. Allele origin: germline. Affected: yes.
Comment: In silico analysis indicates that this missense variant does not alter protein structure/function; Has not been previously published as pathogenic or benign to our knowledge